The following is an entry in ClinVar:

NM_001017420.3(ESCO2):c.956-2A>G

Gene: ESCO2 (establishment of sister chromatid cohesion N-acetyltransferase 2; plus strand). Cytogenetic location: 8p21.1.
Variant type: single nucleotide variant.
Coding change: c.956-2A>G on transcript NM_001017420.3 (MANE Select); the canonical splice acceptor site of the intron before coding-DNA position 956, A replaced by G.
Molecular consequence: splice acceptor variant.
Genome position (GRCh38, 1-based): chr8:27,783,998, A>G. VCF-style: chr8-27783998-A-G. GRCh37 (hg19) VCF-style: chr8-27641515-A-G.
Identifiers: ClinVar variation 804409 (VCV000804409.4), dbSNP rs1207909659, ClinGen allele CA370821993.

ClinVar aggregate classification (germline): Likely pathogenic. Review status: criteria provided, multiple submitters, no conflicts (2 of 4 stars). 2 submissions from 2 submitters: Likely pathogenic (2). Last evaluated 2019-06-20.

Conditions:
Roberts-SC phocomelia syndrome (RBS). Also called: Pseudothalidomide syndrome; Appelt-Gerken-Lenz syndrome; Hypomelia hypotrichosis facial hemangioma syndrome; LONG BONE DEFICIENCIES ASSOCIATED WITH CLEFT LIP-PALATE; ESCO2 Spectrum Disorder. Identifiers: Orphanet 3103, MedGen C0392475, MONDO:0100253, OMIM 268300.
Juberg-Hayward syndrome (JHS). Also called: Cleft lip/palate with abnormal thumbs and microcephaly; OROCRANIODIGITAL SYNDROME. Identifiers: Orphanet 2319, MedGen C0796099, MONDO:0008992, OMIM 216100.

Allele frequency attached by ClinVar (database versions not stated): TOPMed below 0.00001.

Submissions (2):

Hadassah Hebrew University Medical Center
Classification: Likely pathogenic for Roberts-SC phocomelia syndrome. Last evaluated: 2019-06-20. Review status: criteria provided, single submitter. Criteria: ACMG Guidelines, 2015. Collection method: clinical testing. Allele origin: germline. Inheritance: Autosomal recessive inheritance. Affected: yes.

Juno Genomics, Hangzhou Juno Genomics, Inc
Classification: Likely pathogenic for Juberg-Hayward syndrome; Roberts-SC phocomelia syndrome. Review status: criteria provided, single submitter. Criteria: ACMG Guidelines, 2015. Collection method: clinical testing. Allele origin: germline.
Comment: Null variant in a gene where loss of function (LOF) is a known mechanism of disease.;Absent from controls (or at extremely low frequency if recessive) in Genome Aggregation Database.